The following is an entry in ClinVar:

NM_005591.4(MRE11):c.2023A>T (p.Met675Leu)

Gene: MRE11 (MRE11 double strand break repair nuclease; minus strand). Cytogenetic location: 11q21.
Variant type: single nucleotide variant.
Coding change: c.2023A>T on transcript NM_005591.4 (MANE Select); coding-DNA position 2023, A replaced by T.
Protein change: p.Met675Leu; replaces methionine 675 with leucine.
Molecular consequence: missense variant.
Genome position (GRCh38, 1-based): chr11:94,429,958, T>A on the plus strand (A>T on the coding strand, the complement: MRE11 is on the minus strand). VCF-style: chr11-94429958-T-A. GRCh37 (hg19) VCF-style: chr11-94163124-T-A.
Other names: c.2020A>T, p.Met674Leu (NM_001330347.2); c.1939A>T, p.Met647Leu (NM_005590.4); short protein forms M675L, M647L, M674L.
Identifiers: ClinVar variation 481744 (VCV000481744.13), dbSNP rs756418071, ClinGen allele CA382373527.

ClinVar aggregate classification (germline): Uncertain significance. Review status: criteria provided, multiple submitters, no conflicts (2 of 4 stars). 2 submissions from 2 submitters: Uncertain significance (2). Last evaluated 2025-08-07.

Conditions:
Hereditary cancer-predisposing syndrome. Also called: Neoplastic Syndromes, Hereditary; Tumor predisposition; Hereditary Cancer Syndrome; Hereditary neoplastic syndrome. Identifiers: Orphanet 140162, MedGen C0027672, MeSH D009386, MONDO:0015356.
Ataxia-telangiectasia-like disorder (ATLD). Identifiers: MedGen C1858391, MONDO:0011457.

Allele frequency attached by ClinVar (database versions not stated): gnomAD 0.00001; TOPMed 0.00001.
gnomAD v4.1: 3 of 1,614,034 alleles (0.00019%); highest among the groups gnomAD compares: African/African-American, 0.004%; no homozygotes.

Submissions (2):

Ambry Genetics
Classification: Uncertain significance for Hereditary cancer-predisposing syndrome. Last evaluated: 2025-08-07. Review status: criteria provided, single submitter. Criteria: Ambry Variant Classification Scheme 2023. Collection method: clinical testing. Allele origin: germline.
Comment: The p.M675L variant (also known as c.2023A>T), located in coding exon 18 of the MRE11A gene, results from an A to T substitution at nucleotide position 2023. The methionine at codon 675 is replaced by leucine, an amino acid with highly similar properties. This amino acid position is poorly conserved in available vertebrate species. In addition, this alteration is predicted to be tolerated by in silico analysis. Since supporting evidence is limited at this time, the clinical significance of this alteration remains unclear.

Labcorp Genetics (formerly Invitae), Labcorp
Classification: Uncertain significance for Ataxia-telangiectasia-like disorder. Last evaluated: 2021-09-01. Review status: criteria provided, single submitter. Criteria: Invitae Variant Classification Sherloc (09022015). Collection method: clinical testing. Allele origin: germline.
Comment: This sequence change replaces methionine with leucine at codon 675 of the MRE11 protein (p.Met675Leu). The methionine residue is weakly conserved and there is a small physicochemical difference between methionine and leucine. This variant is not present in population databases (ExAC no frequency). This variant has not been reported in the literature in individuals affected with MRE11-related conditions. Algorithms developed to predict the effect of missense changes on protein structure and function (SIFT, PolyPhen-2, Align-GVGD) all suggest that this variant is likely to be tolerated. In summary, the available evidence is currently insufficient to determine the role of this variant in disease. Therefore, it has been classified as a Variant of Uncertain Significance.